The following is an entry in ClinVar:

ClinVar aggregate classification (germline): Pathogenic (1 of 4 stars; one submission).

Conditions:
Ataxia-telangiectasia syndrome (AT). Also called: LOUIS-BAR SYNDROME; Cerebello-oculocutaneous telangiectasia; Immunodeficiency with ataxia telangiectasia; Ataxia telangiectasia (A-T); Ataxia-telangiectasia, complementation group D; AT, COMPLEMENTATION GROUP C. Identifiers: Orphanet 100, MedGen C0004135, MONDO:0008840, OMIM 208900.

Submission:

Labcorp Genetics (formerly Invitae), Labcorp
Classification: Pathogenic for Ataxia-telangiectasia syndrome. Last evaluated: 2023-03-31. Review status: criteria provided, single submitter. Criteria: Invitae Variant Classification Sherloc (09022015). Collection method: clinical testing. Allele origin: germline.
Comment: For these reasons, this variant has been classified as Pathogenic. This variant has not been reported in the literature in individuals affected with ATM-related conditions. This variant is not present in population databases (gnomAD no frequency). This sequence change creates a premature translational stop signal (p.Thr2228Glnfs*7) in the ATM gene. It is expected to result in an absent or disrupted protein product. Loss-of-function variants in ATM are known to be pathogenic (PMID: 23807571, 25614872).

Literature cited by the submitters: PubMed 23807571; PubMed 25614872.

NM_000051.4(ATM):c.6682del (p.Thr2228fs)

Genes: ATM (ATM serine/threonine kinase; plus strand), C11orf65 (chromosome 11 open reading frame 65; minus strand). Cytogenetic location: 11q22.3.
Variant type: Deletion.
Coding change: c.6682del on transcript NM_000051.4 (MANE Select); coding-DNA position 6682, one base deleted (A; older notation c.6682delA).
Protein change: p.Thr2228fs; shifts the reading frame from threonine 2228.
Molecular consequence: frameshift variant. On other transcripts: intron variant (2).
Genome position (GRCh38, 1-based): chr11:108,325,419, A deleted. VCF-style (leftmost placement, unchanged base first): chr11-108325418-CA-C. GRCh37 (hg19) VCF-style: chr11-108196145-CA-C.
Other names: c.6682del, p.Thr2228fs (NM_001351834.2); c.641-16348del (NM_001330368.2); c.*38+9801del (NM_001351110.2); short protein forms T2228fs.
Identifiers: ClinVar variation 2851107 (VCV002851107.3), dbSNP rs2547203128, ClinGen allele CA2739265994.
Genomic context (GRCh38, chr11:108,325,418, plus strand): 5'-ACACTCCCAGCTTCTCAAGGACAGTGATTTTAGTTTTCAGGAGCCTATCATGGCTCTACG[CA>C]CAGTCATTTTGGAGATCCTGATGGAAAAGGAAATGGACAACTCACAAAGAGAATGTATTA-3'